The following is an entry in ClinVar:

NM_000211.5(ITGB2):c.1367G>A (p.Arg456His)

Gene: ITGB2 (integrin subunit beta 2; minus strand). Cytogenetic location: 21q22.3.
Variant type: single nucleotide variant.
Coding change: c.1367G>A on transcript NM_000211.5 (MANE Select); coding-DNA position 1367, G replaced by A.
Protein change: p.Arg456His; replaces arginine 456 with histidine.
Molecular consequence: missense variant.
Genome position (GRCh38, 1-based): chr21:44,891,854, C>T on the plus strand (G>A on the coding strand, the complement: ITGB2 is on the minus strand). VCF-style: chr21-44891854-C-T. GRCh37 (hg19) VCF-style: chr21-46311769-C-T.
Other names: c.1367G>A, p.Arg456His (NM_001127491.3); c.1160G>A, p.Arg387His (NM_001303238.2); short protein forms R456H, R387H.
Identifiers: ClinVar variation 2142102 (VCV002142102.2), dbSNP rs759837189, ClinGen allele CA10062848.
Genomic context (GRCh38, chr21:44,891,854, plus strand): 5'-CTGCGCCCGCCTCACCTGCAGATGCCGCACTCCAAGAAGCCCTTGCCATGGCAGAGGCTG[C>T]GGTCTCTGCTCTGGTCCCGGCACCGGCACTCACACTGGGGAAGAACCTGCACGGTCACTA-3'
Protein context (NP_000202.3, residues 446-466): ECRCRDQSRD[Arg456His]SLCHGKGFLE

ClinVar aggregate classification (germline): Uncertain significance (1 of 4 stars; one submission).

Conditions:
Leukocyte adhesion deficiency 1 (LAD1). Also called: LEUKOCYTE ADHESION DEFICIENCY, TYPE I; LAD 1; Lymphocyte function-associated antigen 1 immunodeficiency; LFA 1 immunodeficiency. Identifiers: Orphanet 2968, Orphanet 99842, MedGen C0398738, MONDO:0007293, OMIM 116920.

Allele frequency attached by ClinVar (database versions not stated): TOPMed 0.00002; ExAC 0.00003.
gnomAD v4.1: 79 of 1,610,980 alleles (0.0049%); highest among the groups gnomAD compares: East Asian, 0.027%; no homozygotes.

Submission:

Labcorp Genetics (formerly Invitae), Labcorp
Classification: Uncertain significance for Leukocyte adhesion deficiency 1. Last evaluated: 2022-10-27. Review status: criteria provided, single submitter. Criteria: Invitae Variant Classification Sherloc (09022015). Collection method: clinical testing. Allele origin: germline.
Comment: This variant has not been reported in the literature in individuals affected with ITGB2-related conditions. In summary, the available evidence is currently insufficient to determine the role of this variant in disease. Therefore, it has been classified as a Variant of Uncertain Significance. Algorithms developed to predict the effect of missense changes on protein structure and function output the following: SIFT: "Tolerated"; PolyPhen-2: "Benign"; Align-GVGD: "Class C0". The histidine amino acid residue is found in multiple mammalian species, which suggests that this missense change does not adversely affect protein function. This variant is present in population databases (rs759837189, gnomAD 0.006%). This sequence change replaces arginine, which is basic and polar, with histidine, which is basic and polar, at codon 456 of the ITGB2 protein (p.Arg456His).